The following is an entry in ClinVar:

ClinVar aggregate classification (germline): Uncertain significance (1 of 4 stars; one submission).

Allele frequency attached by ClinVar (database versions not stated): gnomAD exomes below 0.00001; TOPMed below 0.00001; gnomAD 0.00001.
gnomAD v4.1: 2 of 1,613,972 alleles (0.00012%); highest among the groups gnomAD compares: Admixed American, 0.0033%; no homozygotes.

Submission:

Labcorp Genetics (formerly Invitae), Labcorp
Classification: Uncertain significance. Last evaluated: 2023-06-19. Review status: criteria provided, single submitter. Criteria: Invitae Variant Classification Sherloc (09022015). Collection method: clinical testing. Allele origin: germline.
Comment: In summary, the available evidence is currently insufficient to determine the role of this variant in disease. Therefore, it has been classified as a Variant of Uncertain Significance. An algorithm developed to predict the effect of missense changes on protein structure and function (PolyPhen-2) suggests that this variant is likely to be disruptive. ClinVar contains an entry for this variant (Variation ID: 1935478). This variant has not been reported in the literature in individuals affected with HSPG2-related conditions. This variant is not present in population databases (gnomAD no frequency). This sequence change replaces alanine, which is neutral and non-polar, with valine, which is neutral and non-polar, at codon 3468 of the HSPG2 protein (p.Ala3468Val).

NM_005529.7(HSPG2):c.10403C>T (p.Ala3468Val)

Gene: HSPG2 (heparan sulfate proteoglycan 2; minus strand). Cytogenetic location: 1p36.12.
Variant type: single nucleotide variant.
Coding change: c.10403C>T on transcript NM_005529.7 (MANE Select); coding-DNA position 10403, C replaced by T.
Protein change: p.Ala3468Val; replaces alanine 3468 with valine.
Molecular consequence: missense variant.
Genome position (GRCh38, 1-based): chr1:21,835,590, G>A on the plus strand (C>T on the coding strand, the complement: HSPG2 is on the minus strand). VCF-style: chr1-21835590-G-A. GRCh37 (hg19) VCF-style: chr1-22162083-G-A.
Other names: c.10406C>T, p.Ala3469Val (NM_001291860.2); short protein forms A3468V, A3469V.
Identifiers: ClinVar variation 1935478 (VCV001935478.5), dbSNP rs1298866394, ClinGen allele CA338910262.
Genomic context (GRCh38, chr1:21,835,590, plus strand): 5'-ACCCTCCTACCTTGGATAACCAGCTGGGCACTGGCCTGGGCCTTCCCCCAAGGTCCATGG[G>A]CCTGGCATATATACGTCCCTTGGCAGCTCTGGTCCAAGTTCTGGATTCTATAAAGAAAAA-3'
Protein context (NP_005520.4, residues 3458-3478): QSCQGTYICQ[Ala3468Val]HGPWGKAQAS